The following is an entry in ClinVar:

NC_000007.14:g.156779240del

Genes: LMBR1 (limb development membrane protein 1; minus strand), SHH (sonic hedgehog signaling molecule; minus strand). Cytogenetic location: 7q36.3.
Variant type: Deletion.
Molecular consequence: intron variant (on NM_022458.4).
Genome position: GRCh38 VCF-style: chr7-156779239-AT-A. GRCh37 (hg19) VCF-style: chr7-156571933-AT-A.
Other names: c.361-15445del (NM_001363412.2); c.145-15445del (NM_001350954.2); c.424-15445del (NM_001363410.2, NM_022458.4, NM_001363409.2 and 1 more transcripts); c.-34+415del (NM_001350958.2, NM_001350956.2, NM_001350955.2 and 1 more transcripts); c.55-15445del (NM_001350957.2, NM_001363411.2).
Identifiers: ClinVar variation 2776001 (VCV002776001.3), dbSNP rs1826685697, ClinGen allele CA1755255105.

ClinVar aggregate classification (germline): Uncertain significance (1 of 4 stars; one submission).

Conditions:
Holoprosencephaly 3 (HPE3). Identifiers: Orphanet 2162, MedGen C1840529, MONDO:0007733, OMIM 142945.

Allele frequency attached by ClinVar (database versions not stated): TOPMed below 0.00001.

Submission:

Labcorp Genetics (formerly Invitae), Labcorp
Classification: Uncertain significance for Holoprosencephaly 3. Last evaluated: 2023-05-20. Review status: criteria provided, single submitter. Criteria: Invitae Variant Classification Sherloc (09022015). Collection method: clinical testing. Allele origin: germline.
Comment: In summary, the available evidence is currently insufficient to determine the role of this variant in disease. Therefore, it has been classified as a Variant of Uncertain Significance. Experimental studies and prediction algorithms are not available or were not evaluated, and the effect of this variant on mRNA splicing is currently unknown. This variant has not been reported in the literature in individuals affected with SHH-related conditions. This variant is not present in population databases (gnomAD no frequency). This variant occurs in a non-coding region of the SHH gene. It does not change the encoded amino acid sequence of the SHH protein.